The following is an entry in ClinVar:

NM_003072.5(SMARCA4):c.3320C>T (p.Ser1107Phe)

Gene: SMARCA4 (SWI/SNF related BAF chromatin remodeling complex subunit ATPase 4; plus strand). Cytogenetic location: 19p13.2.
Variant type: single nucleotide variant.
Coding change: c.3320C>T on transcript NM_003072.5 (MANE Select); coding-DNA position 3320, C replaced by T.
Protein change: p.Ser1107Phe; replaces serine 1107 with phenylalanine.
Molecular consequence: missense variant. On other transcripts: non-coding transcript variant (1).
Genome position (GRCh38, 1-based): chr19:11,027,888, C>T. VCF-style: chr19-11027888-C-T. GRCh37 (hg19) VCF-style: chr19-11138564-C-T.
Other names: c.3320C>T, p.Ser1107Phe (NM_001128844.3, NM_001128845.2, NM_001128846.2 and 5 more transcripts); short protein forms S1107F.
Identifiers: ClinVar variation 1501769 (VCV001501769.8), dbSNP rs2146544542, ClinGen allele CA404061716.

ClinVar aggregate classification (germline): Uncertain significance (1 of 4 stars; one submission).

Conditions:
Rhabdoid tumor predisposition syndrome 2 (RTPS2). Identifiers: Orphanet 231108, Orphanet 69077, MedGen C2750074, MONDO:0013224, OMIM 613325.

Submission:

Labcorp Genetics (formerly Invitae), Labcorp
Classification: Uncertain significance for Rhabdoid tumor predisposition syndrome 2. Last evaluated: 2020-11-20. Review status: criteria provided, single submitter. Criteria: Invitae Variant Classification Sherloc (09022015). Collection method: clinical testing. Allele origin: germline.
Comment: In summary, the available evidence is currently insufficient to determine the role of this variant in disease. Therefore, it has been classified as a Variant of Uncertain Significance. Algorithms developed to predict the effect of missense changes on protein structure and function (SIFT, PolyPhen-2, Align-GVGD) all suggest that this variant is likely to be disruptive, but these predictions have not been confirmed by published functional studies and their clinical significance is uncertain. This variant has not been reported in the literature in individuals with SMARCA4-related conditions. This variant is not present in population databases (ExAC no frequency). This sequence change replaces serine with phenylalanine at codon 1107 of the SMARCA4 protein (p.Ser1107Phe). The serine residue is highly conserved and there is a large physicochemical difference between serine and phenylalanine.